The following is an entry in ClinVar:

NM_000388.4(CASR):c.1327C>A (p.Leu443Ile)

Gene: CASR (calcium sensing receptor; plus strand). Cytogenetic location: 3q21.1.
Variant type: single nucleotide variant.
Coding change: c.1327C>A on transcript NM_000388.4 (MANE Select); coding-DNA position 1327, C replaced by A.
Protein change: p.Leu443Ile; replaces leucine 443 with isoleucine.
Molecular consequence: missense variant.
Genome position (GRCh38, 1-based): chr3:122,262,362, C>A. VCF-style: chr3-122262362-C-A. GRCh37 (hg19) VCF-style: chr3-121981209-C-A.
Other names: c.1327C>A, p.Leu443Ile (NM_001178065.2); short protein forms L443I.
Identifiers: ClinVar variation 410336 (VCV000410336.16), dbSNP rs267599574, ClinGen allele CA16611301.

ClinVar aggregate classification (germline): Uncertain significance. Review status: criteria provided, multiple submitters, no conflicts (2 of 4 stars). 3 submissions from 3 submitters: Uncertain significance (3). Last evaluated 2024-09-11.

Conditions:
Autosomal dominant hypocalcemia 1 (HYPOC1). Also called: HYPOCALCEMIA, FAMILIAL. Identifiers: MedGen C3715128, MONDO:0011013, OMIM 601198.
Familial hypocalciuric hypercalcemia (FHH). Also called: Familial benign hypercalcemia. Identifiers: Orphanet 405, MedGen C1809471, MONDO:0018458.
Nephrolithiasis/nephrocalcinosis. Identifiers: MedGen CN580796.

Allele frequency attached by ClinVar (database versions not stated): gnomAD exomes below 0.00001; TOPMed 0.00002; gnomAD 0.00003.
gnomAD v4.1: 24 of 1,613,870 alleles (0.0015%); highest among the groups gnomAD compares: Non-Finnish European, 0.0019%; no homozygotes.

Submissions (3):

Women's Health and Genetics/Laboratory Corporation of America, LabCorp
Classification: Uncertain significance. Last evaluated: 2024-09-11. Review status: criteria provided, single submitter. Criteria: LabCorp Variant Classification Summary - May 2015. Collection method: clinical testing. Allele origin: germline.
Comment: Variant summary: CASR c.1327C>A (p.Leu443Ile) results in a conservative amino acid change located in the Receptor, ligand binding region (IPR001828) of the encoded protein sequence. Four of five in-silico tools predict a benign effect of the variant on protein function. The variant allele was found at a frequency of 4e-06 in 250360 control chromosomes. The available data on variant occurrences in the general population are insufficient to allow any conclusion about variant significance. c.1327C>A has been reported in the literature in an individual affected with ectopic mineralization (Saeidian_2022). This report does not provide unequivocal conclusions about association of the variant with Familial Hypocalciuric Hypercalcemia. Co-occurrences with other pathogenic variant(s) have been reported (ABCC6 exon23-29del; ABCC6 c.3490C>T, p.R1164*), providing supporting evidence for a benign role. To our knowledge, no experimental evidence demonstrating an impact on protein function has been reported. The following publication have been ascertained in the context of this evaluation (PMID: 34906475). ClinVar contains an entry for this variant (Variation ID: 410336). Based on the evidence outlined above, the variant was classified as uncertain significance.

Ambry Genetics
Classification: Uncertain significance for Nephrolithiasis/nephrocalcinosis. Last evaluated: 2023-11-03. Review status: criteria provided, single submitter. Criteria: Ambry Variant Classification Scheme 2023. Collection method: clinical testing. Allele origin: germline.
Comment: The p.L443I variant (also known as c.1327C>A), located in coding exon 3 of the CASR gene, results from a C to A substitution at nucleotide position 1327. The leucine at codon 443 is replaced by isoleucine, an amino acid with highly similar properties. This alteration was identified in an individual from an international cohort of 478 pseudoxanthoma elasticum patients with ectopic mineralization; this individual is also noted to be compound heterozygous for alterations in ABCC6 (Saeidian AH et al. Genet Med, 2022 Jan;24:75-86). This amino acid position is highly conserved in available vertebrate species. In addition, the in silico prediction for this alteration is inconclusive. Since supporting evidence is limited at this time, the clinical significance of this alteration remains unclear.

Labcorp Genetics (formerly Invitae), Labcorp
Classification: Uncertain significance for Familial hypocalciuric hypercalcemia; Autosomal dominant hypocalcemia 1. Last evaluated: 2023-10-03. Review status: criteria provided, single submitter. Criteria: Invitae Variant Classification Sherloc (09022015). Collection method: clinical testing. Allele origin: germline.
Comment: This sequence change replaces leucine, which is neutral and non-polar, with isoleucine, which is neutral and non-polar, at codon 443 of the CASR protein (p.Leu443Ile). This variant is present in population databases (rs267599574, gnomAD 0.0009%). This variant has not been reported in the literature in individuals affected with CASR-related conditions. ClinVar contains an entry for this variant (Variation ID: 410336). An algorithm developed to predict the effect of missense changes on protein structure and function (PolyPhen-2) suggests that this variant is likely to be tolerated. In summary, the available evidence is currently insufficient to determine the role of this variant in disease. Therefore, it has been classified as a Variant of Uncertain Significance.

Literature cited by the submitters: PubMed 34906475 (cited by Women's Health and Genetics/Laboratory Corporation of America, LabCorp and Ambry Genetics).